The following is an entry in ClinVar:

NM_000051.4(ATM):c.1901A>T (p.Glu634Val)

Gene: ATM (ATM serine/threonine kinase; plus strand). Cytogenetic location: 11q22.3.
Variant type: single nucleotide variant.
Coding change: c.1901A>T on transcript NM_000051.4 (MANE Select); coding-DNA position 1901, A replaced by T.
Protein change: p.Glu634Val; replaces glutamic acid 634 with valine.
Molecular consequence: missense variant.
Genome position (GRCh38, 1-based): chr11:108,253,816, A>T. VCF-style: chr11-108253816-A-T. GRCh37 (hg19) VCF-style: chr11-108124543-A-T.
Other names: c.1901A>T, p.Glu634Val (NM_001351834.2); short protein forms E634V.
Identifiers: ClinVar variation 495387 (VCV000495387.13), dbSNP rs1555073069, ClinGen allele CA382536268.
Genomic context (GRCh38, chr11:108,253,816, plus strand): 5'-ATATAAGGCAAAGCATTAGGTACTTGGTTTATATATTAAAGATCTTACTTTCTTGAAGTG[A>T]ACACCACCAAAAAGATAAAGAAGAACTTTCATTCTCAGAAGTAGAAGAACTATTTCTTCA-3'
Protein context (NP_000042.3, residues 624-644): MNFFQSVPEC[Glu634Val]HHQKDKEELS

ClinVar aggregate classification (germline): Conflicting classifications of pathogenicity. Review status: criteria provided, conflicting classifications (1 of 4 stars). 4 submissions from 4 submitters: Uncertain significance (3); Likely benign (1). Last evaluated 2024-12-18.

Conditions:
Hereditary cancer-predisposing syndrome. Also called: Tumor predisposition; Hereditary neoplastic syndrome; Neoplastic Syndromes, Hereditary; Hereditary Cancer Syndrome. Identifiers: Orphanet 140162, MedGen C0027672, MeSH D009386, MONDO:0015356.
Familial cancer of breast. Also called: hereditary breast carcinoma; BREAST CANCER, FAMILIAL; Hereditary breast cancer. Identifiers: Orphanet 227535, MedGen C0346153, MONDO:0016419, OMIM 114480. Disease mechanism: loss of function.
Ataxia-telangiectasia syndrome (AT). Also called: LOUIS-BAR SYNDROME; Cerebello-oculocutaneous telangiectasia; Immunodeficiency with ataxia telangiectasia; Ataxia-telangiectasia, complementation group D; AT, COMPLEMENTATION GROUP C; ATAXIA-TELANGIECTASIA, COMPLEMENTATION GROUP A. Identifiers: Orphanet 100, MedGen C0004135, MONDO:0008840, OMIM 208900.

gnomAD v4.1: 1 of 1,612,626 alleles (0.000062%); highest among the groups gnomAD compares: African/African-American, 0.0013%; no homozygotes.

Submissions (4):

Labcorp Genetics (formerly Invitae), Labcorp
Classification: Uncertain significance for Ataxia-telangiectasia syndrome. Last evaluated: 2024-12-18. Review status: criteria provided, single submitter. Criteria: Invitae Variant Classification Sherloc (09022015). Collection method: clinical testing. Allele origin: germline.
Comment: This sequence change replaces glutamic acid, which is acidic and polar, with valine, which is neutral and non-polar, at codon 634 of the ATM protein (p.Glu634Val). This variant is not present in population databases (gnomAD no frequency). This variant has not been reported in the literature in individuals affected with ATM-related conditions. ClinVar contains an entry for this variant (Variation ID: 495387). An algorithm developed to predict the effect of missense changes on protein structure and function (PolyPhen-2) suggests that this variant is likely to be tolerated. In summary, the available evidence is currently insufficient to determine the role of this variant in disease. Therefore, it has been classified as a Variant of Uncertain Significance.

Ambry Genetics
Classification: Likely benign for Hereditary cancer-predisposing syndrome. Last evaluated: 2024-08-14. Review status: criteria provided, single submitter. Criteria: Ambry Variant Classification Scheme 2023. Collection method: clinical testing. Allele origin: germline.

Baylor Genetics
Classification: Uncertain significance for Familial cancer of breast. Last evaluated: 2023-08-03. Review status: criteria provided, single submitter. Criteria: ACMG Guidelines, 2015. Collection method: clinical testing. Allele origin: unknown.

Women's Health and Genetics/Laboratory Corporation of America, LabCorp
Classification: Uncertain significance. Last evaluated: 2017-08-21. Review status: criteria provided, single submitter. Criteria: LabCorp Variant Classification Summary - May 2015. Collection method: clinical testing. Allele origin: germline.
Comment: Variant summary: The ATM c.1901A>T (p.Glu634Val) variant involves the alteration of a conserved nucleotide. 2/3 in silico tools predict a benign outcome for this variant (SNPsandGO not captured due to low reliability index). This variant is absent in 119572 control chromosomes (ExAC). The variant of interest has not, to our knowledge, been reported in affected individuals via publications and/or reputable databases/clinical diagnostic laboratories; nor evaluated for functional impact by in vivo/vitro studies. Because of the absence of clinical information and the lack of functional studies, the variant is classified as a variant of uncertain significance (VUS) until additional information becomes available.